The following is an entry in ClinVar:

NM_005807.6(PRG4):c.3756dup (p.Lys1253Ter)

Gene: PRG4 (proteoglycan 4; plus strand). Cytogenetic location: 1q31.1.
Variant type: Duplication.
Coding change: c.3756dup on transcript NM_005807.6 (MANE Select); coding-DNA position 3756, one base duplicated (T; older notation c.3756dupT).
Protein change: p.Lys1253Ter; replaces lysine 1253 with a stop codon.
Molecular consequence: nonsense.
Genome position (GRCh38, 1-based): chr1:186,311,559, T duplicated. VCF-style (leftmost placement, unchanged base first): chr1-186311558-A-AT. GRCh37 (hg19) VCF-style: chr1-186280690-A-AT.
Other names: c.3633dup, p.Lys1212Ter (NM_001127708.3); c.3477dup, p.Lys1160Ter (NM_001127709.3); c.3354dup, p.Lys1119Ter (NM_001127710.3); c.3627dup, p.Lys1210Ter (NM_001303232.2); short protein forms K1160*, K1253*, K1210*, K1119*, K1212*.
Identifiers: ClinVar variation 801585 (VCV000801585.44), dbSNP rs1406678014, ClinGen allele CA728679254.

ClinVar aggregate classification (germline): Pathogenic/Likely pathogenic. Review status: criteria provided, multiple submitters, no conflicts (2 of 4 stars). 4 submissions from 4 submitters: Pathogenic (3); Likely pathogenic (1). Last evaluated 2026-03-20.

Conditions:
Camptodactyly-arthropathy-coxa vara-pericarditis syndrome. Also called: PAC SYNDROME; Arthropathy camptodactyly syndrome; Pericarditis arthropathy camptodactyly syndrome; Congenital familial hypertrophic synovitis; FIBROSING SEROSITIS, FAMILIAL; JACOBS SYNDROME. Identifiers: Orphanet 2848, MedGen C1859690, MONDO:0008828, OMIM 208250.

Allele frequency attached by ClinVar (database versions not stated): gnomAD exomes below 0.00001; TOPMed below 0.00001; gnomAD 0.00001.

Submissions (4):

Dasa
Classification: Pathogenic. Last evaluated: 2026-03-20. Review status: criteria provided, single submitter. Criteria: DASA Assertion Criteria. Collection method: clinical testing. Allele origin: germline.
Comment: NM_005807.6(PRG4):c.3756dup (p.Lys1253*) introduces a premature termination codon predicted to result in loss of normal protein function. Loss-of-function is an established mechanism of disease for this gene. Segregation evidence has been reported in affected families. This variant has been recurrently observed in affected individuals with related phenotype in a genotype context consistent with recessive disease (PMID: 41626297; PMID: 38593426). The variant is present at low frequency in population datasets. Based on the available data, this variant is classified as pathogenic.

Laboratorio de Genetica e Diagnostico Molecular, Hospital Israelita Albert Einstein
Classification: Pathogenic for Camptodactyly-arthropathy-coxa vara-pericarditis syndrome. Last evaluated: 2022-10-29. Review status: criteria provided, single submitter. Criteria: ACMG Guidelines, 2015. Collection method: clinical testing. Allele origin: germline. Affected: yes. Observed: 1 variant allele.
Comment: ACMG classification criteria: PVS1 very strong, PM2 moderated, PM3 supporting

Mendelics
Classification: Likely pathogenic for Camptodactyly-arthropathy-coxa vara-pericarditis syndrome. Last evaluated: 2019-05-28. Review status: criteria provided, single submitter. Criteria: Mendelics Assertion Criteria 2017. Collection method: clinical testing. Allele origin: unknown.

CeGaT Center for Human Genetics Tuebingen
Classification: Pathogenic. Last evaluated: 2017-07-01. Review status: criteria provided, single submitter. Criteria: CeGaT Center For Human Genetics Tuebingen Variant Classification Criteria Version 2. Collection method: clinical testing. Allele origin: germline. Affected: yes. Observed: 1 variant allele.

Literature cited by the submitters: PubMed 41626297 (cited by Dasa); PubMed 38593426 (cited by Dasa).